The following is an entry in ClinVar:

NM_001482.3(GATM):c.715G>T (p.Ala239Ser)

Gene: GATM (glycine amidinotransferase; minus strand). Cytogenetic location: 15q21.1.
Variant type: single nucleotide variant.
Coding change: c.715G>T on transcript NM_001482.3 (MANE Select); coding-DNA position 715, G replaced by T.
Protein change: p.Ala239Ser; replaces alanine 239 with serine.
Molecular consequence: missense variant.
Genome position (GRCh38, 1-based): chr15:45,366,469, C>A on the plus strand (G>T on the coding strand, the complement: GATM is on the minus strand). VCF-style: chr15-45366469-C-A. GRCh37 (hg19) VCF-style: chr15-45658667-C-A.
Other names: c.328G>T, p.Ala110Ser (NM_001321015.2); short protein forms A239S, A110S.
Identifiers: ClinVar variation 1997517 (VCV001997517.2), dbSNP rs2541989180, ClinGen allele CA392259222.
Genomic context (GRCh38, chr15:45,366,469, plus strand): 5'-TGAAGTCAGCAGCATCAAAGCATGGCTCAAACTCAGTTGTCACAAATTTTCCCTGAGCAG[C>A]CAATTTGTGTCTGTCTTCTACAGAGTGGATGGGATAATCCTAATTGGAACAAGAATGAAC-3'
Protein context (NP_001473.1, residues 229-249): IHSVEDRHKL[Ala239Ser]AQGKFVTTEF

ClinVar aggregate classification (germline): Uncertain significance. Review status: criteria provided, multiple submitters, no conflicts (2 of 4 stars). 2 submissions from 2 submitters: Uncertain significance (2). Last evaluated 2024-03-06.

Conditions:
Arginine:glycine amidinotransferase deficiency (CCDS3). Also called: Creatine deficiency syndrome due to AGAT deficiency; GATM deficiency; Cerebral creatine deficiency syndrome 3; AGAT deficiency; L-Arginine:Glycine Amidinotransferase (AGAT) Deficiency; L-Arginine:Glycine Amidinotransferase Deficiency. Identifiers: Orphanet 35704, MedGen C2675179, MONDO:0012996, OMIM 612718.
Fanconi renotubular syndrome 1. Also called: Toni-Debre-Fanconi syndrome; Neonatal De Toni-Debre-Fanconi syndrome; De Toni-Fanconi syndrome; LUDER-SHELDON SYNDROME; FRTS1. Identifiers: MedGen C4551503, MONDO:0024525, OMIM 134600.

Allele frequency attached by ClinVar (database versions not stated): gnomAD exomes 0.00001.
gnomAD v4.1: 4 of 1,614,056 alleles (0.00025%); highest among the groups gnomAD compares: Admixed American, 0.0067%; no homozygotes.

Submissions (2):

Fulgent Genetics
Classification: Uncertain significance for Fanconi renotubular syndrome 1; Arginine:glycine amidinotransferase deficiency. Last evaluated: 2024-03-06. Review status: criteria provided, single submitter. Criteria: ACMG Guidelines, 2015. Collection method: clinical testing. Allele origin: germline.

Labcorp Genetics (formerly Invitae), Labcorp
Classification: Uncertain significance for Arginine:glycine amidinotransferase deficiency. Last evaluated: 2022-05-21. Review status: criteria provided, single submitter. Criteria: Invitae Variant Classification Sherloc (09022015). Collection method: clinical testing. Allele origin: germline.
Comment: This sequence change replaces alanine, which is neutral and non-polar, with serine, which is neutral and polar, at codon 239 of the GATM protein (p.Ala239Ser). This variant is not present in population databases (gnomAD no frequency). This variant has not been reported in the literature in individuals affected with GATM-related conditions. Algorithms developed to predict the effect of missense changes on protein structure and function are either unavailable or do not agree on the potential impact of this missense change (SIFT: "Deleterious"; PolyPhen-2: "Benign"; Align-GVGD: "Class C0"). In summary, the available evidence is currently insufficient to determine the role of this variant in disease. Therefore, it has been classified as a Variant of Uncertain Significance.